The following is an entry in ClinVar:

ClinVar aggregate classification (germline): Uncertain significance. Review status: criteria provided, multiple submitters, no conflicts (2 of 4 stars). 6 submissions from 6 submitters: Uncertain significance (6). Last evaluated 2024-10-09.

Conditions:
Cardiomyopathy (CMYO). Also called: Cardiomyopathies. Identifiers: Orphanet 167848, MedGen C0878544, MONDO:0004994, HP:0001638. Inheritance: Various modes of inheritance.
Catecholaminergic polymorphic ventricular tachycardia (CVPT). Also called: Catecholamine-induced polymorphic ventricular tachycardia. Identifiers: Orphanet 3286, MedGen C5574922, MONDO:0017990.
Catecholaminergic polymorphic ventricular tachycardia 1. Also called: VENTRICULAR TACHYCARDIA, STRESS-INDUCED POLYMORPHIC 1; VENTRICULAR TACHYCARDIA, CATECHOLAMINERGIC POLYMORPHIC, 1, WITH OR WITHOUT ATRIAL DYSFUNCTION AND/OR DILATED CARDIOMYOPATHY; RYR2-Related Catecholaminergic Polymorphic Ventricular Tachycardia. Identifiers: Orphanet 3286, MedGen C1631597, MONDO:0011484, OMIM 604772.

Allele frequency attached by ClinVar (database versions not stated): gnomAD below 0.00001 and 0.00001; gnomAD exomes below 0.00001; ExAC 0.00001.
gnomAD v4.1: 14 of 1,613,870 alleles (0.00087%); highest among the groups gnomAD compares: South Asian, 0.0077%; no homozygotes.

Submissions (6):

Victorian Clinical Genetics Services, Murdoch Childrens Research Institute
Classification: Uncertain significance for Catecholaminergic polymorphic ventricular tachycardia 1. Last evaluated: 2024-10-09. Review status: criteria provided, single submitter. Criteria: ACMG Guidelines, 2015. Collection method: clinical testing. Allele origin: germline. Inheritance: Autosomal dominant inheritance. Affected: yes.
Comment: Based on the classification scheme VCGS_Germline_v1.3.4, this variant is classified as VUS-3C. Following criteria are met: 0103 - Dominant negative and gain of function are known mechanisms of disease in this gene and are associated with catecholaminergic polymorphic ventricular tachycardia 1 (MIM#604772) and left ventricular non-compaction (PMIDs: 12459180, 27646203, 29477366, 31875585, 33500567). Loss of function has been reported for ventricular arrhythmias due to cardiac ryanodine receptor calcium release deficiency syndrome (MIM#115000), however dominant negative mechanism has not been excluded (PMID: 33536282). (I) 0107 - This gene is associated with autosomal dominant disease. (I) 0112 - The condition associated with this gene has incomplete penetrance. Penetrance for CPVT is estimated to be 60-70% (PMID: 23549275). (I) 0200 - Variant is predicted to result in a missense amino acid change from arginine to glutamine. (I) 0251 - This variant is heterozygous. (I) 0302 - Variant is present in gnomAD (v3) <0.001 for a dominant condition (1 heterozygote, 0 homozygotes). (SP) 0309 - An alternative amino acid change at the same position has been observed in gnomAD (v2) (6 heterozygotes, 0 homozygotes). (I) 0501 - Missense variant consistently predicted to be damaging by multiple in silico tools or highly conserved with a major amino acid change. (SP) 0600 - Variant is located in the annotated ryanodine receptor junctional solenoid repeat domain (DECIPHER). (I) 0710 - Other missense variants comparable to the one identified in this case have inconclusive previous evidence for pathogenicity. p.(Arg1671Gly) has been reported once as a VUS and p.(Arg1671Trp) has been reported seven times as a VUS (ClinVar). (I) 0809 - Previous evidence of pathogenicity for this variant is inconclusive. This variant has been reported in ClinVar four times as a VUS. (I) 0905 - No published segregation evidence has been identified for this variant. (I) 1007 - No published functional evidence has been identified for this variant. (I) 1208 - Inheritance information for this variant is not currently available in this individual. (I) Legend: (SP) - Supporting pathogenic, (I) - Information, (SB) - Supporting benign

Color Diagnostics, LLC DBA Color Health
Classification: Uncertain significance for Cardiomyopathy. Last evaluated: 2024-03-06. Review status: criteria provided, single submitter. Criteria: ACMG Guidelines, 2015. Collection method: clinical testing. Allele origin: germline.
Comment: This variant is located in the RYR2 protein. Computational prediction suggests that this variant may have deleterious impact on protein structure and function (internally defined REVEL score threshold >= 0.7, PMID: 27666373). To our knowledge, functional studies have not been reported for this variant. This variant has not been reported in individuals affected with cardiovascular disorders in the literature. This variant has been identified in 1/249082 chromosomes in the general population by the Genome Aggregation Database (gnomAD). The available evidence is insufficient to determine the role of this variant in disease conclusively. Therefore, this variant is classified as a Variant of Uncertain Significance.

All of Us Research Program, National Institutes of Health
Classification: Uncertain significance for Catecholaminergic polymorphic ventricular tachycardia. Last evaluated: 2023-06-26. Review status: criteria provided, single submitter. Criteria: ACMG Guidelines, 2015. Collection method: clinical testing. Allele origin: germline. Inheritance: Autosomal dominant inheritance. Observed: 2 variant alleles, 2 heterozygotes.
Comment: This variant is located in the RYR2 protein. Computational prediction suggests that this variant may have deleterious impact on protein structure and function (internally defined REVEL score threshold >= 0.7, PMID: 27666373). To our knowledge, functional studies have not been reported for this variant. This variant has not been reported in individuals affected with cardiovascular disorders in the literature. This variant has been identified in 1/249082 chromosomes in the general population by the Genome Aggregation Database (gnomAD). The available evidence is insufficient to determine the role of this variant in disease conclusively. Therefore, this variant is classified as a Variant of Uncertain Significance.

This study involves interpretation of variants in research participants for the purpose of population health screening. Participant phenotype was not available at the time of variant classification. Additional details can be found in publication PMID: 35346344, PMCID: PMC8962531

Labcorp Genetics (formerly Invitae), Labcorp
Classification: Uncertain significance for Catecholaminergic polymorphic ventricular tachycardia 1. Last evaluated: 2022-12-06. Review status: criteria provided, single submitter. Criteria: Invitae Variant Classification Sherloc (09022015). Collection method: clinical testing. Allele origin: germline.
Comment: In summary, the available evidence is currently insufficient to determine the role of this variant in disease. Therefore, it has been classified as a Variant of Uncertain Significance. This sequence change replaces arginine, which is basic and polar, with glutamine, which is neutral and polar, at codon 1671 of the RYR2 protein (p.Arg1671Gln). This variant is present in population databases (rs777091366, gnomAD 0.003%). This variant has not been reported in the literature in individuals affected with RYR2-related conditions. ClinVar contains an entry for this variant (Variation ID: 374596). Advanced modeling of protein sequence and biophysical properties (such as structural, functional, and spatial information, amino acid conservation, physicochemical variation, residue mobility, and thermodynamic stability) performed at Invitae indicates that this missense variant is expected to disrupt RYR2 protein function.

AiLife Diagnostics
Classification: Uncertain significance. Last evaluated: 2022-02-10. Review status: criteria provided, single submitter. Criteria: ACMG Guidelines, 2015. Collection method: clinical testing. Allele origin: germline. Affected: yes. Observed: 1 variant allele.

CeGaT Center for Human Genetics Tuebingen
Classification: Uncertain significance. Last evaluated: 2016-06-01. Review status: criteria provided, single submitter. Criteria: CeGaT Center For Human Genetics Tuebingen Variant Classification Criteria Version 2. Collection method: clinical testing. Allele origin: germline. Affected: yes. Observed: 1 variant allele.

Literature cited by the submitters: PubMed 12459180 (cited by Victorian Clinical Genetics Services, Murdoch Childrens Research Institute); PubMed 23549275 (cited by Victorian Clinical Genetics Services, Murdoch Childrens Research Institute); PubMed 27646203 (cited by Victorian Clinical Genetics Services, Murdoch Childrens Research Institute); PubMed 29477366 (cited by Victorian Clinical Genetics Services, Murdoch Childrens Research Institute); PubMed 31875585 (cited by Victorian Clinical Genetics Services, Murdoch Childrens Research Institute); PubMed 33500567 (cited by Victorian Clinical Genetics Services, Murdoch Childrens Research Institute); PubMed 33536282 (cited by Victorian Clinical Genetics Services, Murdoch Childrens Research Institute).

NM_001035.3(RYR2):c.5012G>A (p.Arg1671Gln)

Gene: RYR2 (ryanodine receptor 2; plus strand). Cytogenetic location: 1q43.
Variant type: single nucleotide variant.
Coding change: c.5012G>A on transcript NM_001035.3 (MANE Select); coding-DNA position 5012, G replaced by A.
Protein change: p.Arg1671Gln; replaces arginine 1671 with glutamine.
Molecular consequence: missense variant.
Genome position (GRCh38, 1-based): chr1:237,614,140, G>A. VCF-style: chr1-237614140-G-A. GRCh37 (hg19) VCF-style: chr1-237777440-G-A.
Other names: c.5012G>A (NM_001035.2); c.5012G>A, p.Arg1671Gln (LRG_402t1); short protein forms R1671Q.
Identifiers: ClinVar variation 374596 (VCV000374596.52), dbSNP rs777091366, ClinGen allele CA086820.
Genomic context (GRCh38, chr1:237,614,140, plus strand): 5'-TGAAATTTCACTATCACACTCTCCGGCTCTACTCAGCCGTCTGTGCTCTTGGGAACCACC[G>A]GGTGGCCCATGCCCTGTGCAGCCATGTGGATGAACCTCAGCTCCTCTATGCCATTGAGAA-3'
Protein context (NP_001026.2, residues 1661-1681): YSAVCALGNH[Arg1671Gln]VAHALCSHVD